The following is an entry in ClinVar:

NM_002292.4(LAMB2):c.1405C>T (p.Arg469Ter)

Gene: LAMB2 (laminin subunit beta 2; minus strand). Cytogenetic location: 3p21.31.
Variant type: single nucleotide variant.
Coding change: c.1405C>T on transcript NM_002292.4 (MANE Select); coding-DNA position 1405, C replaced by T.
Protein change: p.Arg469Ter; replaces arginine 469 with a stop codon.
Molecular consequence: nonsense.
Genome position (GRCh38, 1-based): chr3:49,129,839, G>A on the plus strand (C>T on the coding strand, the complement: LAMB2 is on the minus strand). VCF-style: chr3-49129839-G-A. GRCh37 (hg19) VCF-style: chr3-49167272-G-A.
Other names: short protein forms R469*.
Identifiers: ClinVar variation 2681760 (VCV002681760.4), dbSNP rs746765362.

ClinVar aggregate classification (germline): Pathogenic/Likely pathogenic. Review status: criteria provided, multiple submitters, no conflicts (2 of 4 stars). 3 submissions from 3 submitters: Pathogenic (1); Likely pathogenic (2). Last evaluated 2024-02-08.

Conditions:
Pierson syndrome. Also called: MICROCORIA-CONGENITAL NEPHROTIC SYNDROME. Identifiers: Orphanet 2670, MedGen C1836876, MONDO:0012184, OMIM 609049.
LAMB2-related infantile-onset nephrotic syndrome. Also called: NEPHROTIC SYNDROME, TYPE 5, WITHOUT OCULAR ABNORMALITIES; NEPHROTIC SYNDROME, TYPE 5, WITH OCULAR ABNORMALITIES; Nephrotic Syndrome, type 5. Identifiers: Orphanet 306507, MedGen C3280113, MONDO:0013621, OMIM 614199.
LAMB2-related disorder. Also called: LAMB2-related condition.

Allele frequency attached by ClinVar (database versions not stated): TOPMed below 0.00001; ExAC 0.00001; gnomAD 0.00001; gnomAD exomes 0.00001.

Submissions (3):

Fulgent Genetics
Classification: Likely pathogenic for Pierson syndrome; LAMB2-related infantile-onset nephrotic syndrome. Last evaluated: 2024-02-08. Review status: criteria provided, single submitter. Criteria: ACMG Guidelines, 2015. Collection method: clinical testing. Allele origin: germline.

Precision Medicine Center, Zhengzhou University
Classification: Pathogenic for Pierson syndrome. Last evaluated: 2023-12-01. Review status: criteria provided, single submitter. Criteria: ACMG Guidelines, 2015. Collection method: clinical testing. Allele origin: paternal. Affected: yes.
Comment: PVS1,PM2_p,PP4

Blueprint Genetics
Classification: Likely pathogenic for LAMB2-related disorders. Last evaluated: 2020-12-01. Review status: criteria provided, single submitter. Criteria: ACMG Guidelines, 2015. Collection method: clinical testing. Allele origin: germline. Affected: yes. Observed: 1 variant allele.